The following is an entry in ClinVar:

ClinVar aggregate classification (germline): Conflicting classifications of pathogenicity. Review status: criteria provided, conflicting classifications (1 of 4 stars). 2 submissions from 2 submitters: Likely pathogenic (1); Uncertain significance (1). Last evaluated 2019-09-24.

Conditions:
Primary dilated cardiomyopathy (DCM). Also called: Dilated Cardiomyopathy. Identifiers: Orphanet 217604, MedGen C0007193, MeSH D002311, MONDO:0005021, HP:0001644. Inheritance: Various modes of inheritance.
Cardiomyopathy (CMYO). Also called: Cardiomyopathies. Identifiers: Orphanet 167848, MedGen C0878544, MONDO:0004994, HP:0001638. Inheritance: Various modes of inheritance.

Submissions (2):

Laboratory for Molecular Medicine, Mass General Brigham Personalized Medicine
Classification: Likely pathogenic for Primary dilated cardiomyopathy. Last evaluated: 2019-09-24. Review status: criteria provided, single submitter. Criteria: LMM Criteria. Collection method: clinical testing. Allele origin: germline. Observed: 1 variant allele.
Comment: It was absent from large population studies. Computational prediction tools and conservation analyses do not provide strong support for or against an impact to the protein. However, this variant lies in the head region of the protein and missense variants in this region are statistically more likely to be disease-associated (Walsh 2016). In summary, although additional studies are required to fully establish its clinical significance, this variant meets criteria to be classified as likely pathogenic for autosomal dominant cardiomyopathy. ACMG/AMP Criteria applied: PM1, PM2, PM6.

CHEO Genetics Diagnostic Laboratory, Children's Hospital of Eastern Ontario
Classification: Uncertain significance for Cardiomyopathy. Last evaluated: 2015-08-20. Review status: criteria provided, single submitter. Criteria: ACMG Guidelines, 2015. Collection method: clinical testing. Allele origin: germline. Study: Canadian Open Genetics Repository.

Literature cited by the submitters: PubMed 28771251 (cited by Laboratory for Molecular Medicine, Mass General Brigham Personalized Medicine).

NM_000257.4(MYH7):c.2242T>C (p.Ser748Pro)

Gene: MYH7 (myosin heavy chain 7; minus strand). Cytogenetic location: 14q11.2.
Variant type: single nucleotide variant.
Coding change: c.2242T>C on transcript NM_000257.4 (MANE Select); coding-DNA position 2242, T replaced by C.
Protein change: p.Ser748Pro; replaces serine 748 with proline.
Molecular consequence: missense variant.
Genome position (GRCh38, 1-based): chr14:23,425,739, A>G on the plus strand (T>C on the coding strand, the complement: MYH7 is on the minus strand). VCF-style: chr14-23425739-A-G. GRCh37 (hg19) VCF-style: chr14-23894948-A-G.
Other names: short protein forms S748P.
Identifiers: ClinVar variation 228901 (VCV000228901.7), dbSNP rs876657879, ClinGen allele CA10576958.